The following is an entry in ClinVar:

ClinVar aggregate classification (germline): Conflicting classifications of pathogenicity. Review status: criteria provided, conflicting classifications (1 of 4 stars). 20 submissions from 19 submitters: Uncertain significance (1); Benign (5); Likely benign (8). 6 of the submissions do not count toward it. Last evaluated 2026-02-01.

Conditions:
RYR2-related disorder. Also called: RYR2-related condition.
Cardiovascular phenotype. Identifiers: MedGen CN230736.
Catecholaminergic polymorphic ventricular tachycardia (CVPT). Also called: Catecholamine-induced polymorphic ventricular tachycardia. Identifiers: Orphanet 3286, MedGen C5574922, MONDO:0017990.
Cardiomyopathy (CMYO). Also called: Cardiomyopathies. Identifiers: Orphanet 167848, MedGen C0878544, MONDO:0004994, HP:0001638. Inheritance: Various modes of inheritance.
Catecholaminergic polymorphic ventricular tachycardia 1. Also called: RYR2-Related Catecholaminergic Polymorphic Ventricular Tachycardia; VENTRICULAR TACHYCARDIA, CATECHOLAMINERGIC POLYMORPHIC, 1, WITH OR WITHOUT ATRIAL DYSFUNCTION AND/OR DILATED CARDIOMYOPATHY; VENTRICULAR TACHYCARDIA, STRESS-INDUCED POLYMORPHIC 1. Identifiers: Orphanet 3286, MedGen C1631597, MONDO:0011484, OMIM 604772.
Arrhythmogenic right ventricular dysplasia 2. Identifiers: MedGen C1832931.

Allele frequency attached by ClinVar (database versions not stated): TOPMed 0.00030; ESP Exome Variant Server 0.00034; ExAC 0.00037; 1000 Genomes Project 30x 0.00047; gnomAD exomes 0.00049; gnomAD 0.00050 and 0.00051; 1000 Genomes Project 0.00060.
gnomAD v4.1: 944 of 1,598,346 alleles (0.059%); highest among the groups gnomAD compares: Non-Finnish European, 0.068%; 2 homozygotes.

Submissions (20):

CeGaT Center for Human Genetics Tuebingen
Classification: Likely benign. Last evaluated: 2026-02-01. Review status: criteria provided, single submitter. Criteria: CeGaT Center For Human Genetics Tuebingen Variant Classification Criteria Version 2. Collection method: clinical testing. Allele origin: germline. Affected: yes. Observed: 3 variant alleles.
Comment: RYR2: BP4, BP7

Labcorp Genetics (formerly Invitae), Labcorp
Classification: Likely benign for Catecholaminergic polymorphic ventricular tachycardia 1. Last evaluated: 2026-01-26. Review status: criteria provided, single submitter. Criteria: Invitae Variant Classification Sherloc (09022015). Collection method: clinical testing. Allele origin: germline.

ARUP Laboratories, Molecular Genetics and Genomics, ARUP Laboratories
Classification: Likely benign. Last evaluated: 2025-03-05. Review status: criteria provided, single submitter. Criteria: ARUP Molecular Germline Variant Investigation Process 2024. Collection method: clinical testing. Allele origin: germline.

Mayo Clinic Laboratories, Mayo Clinic
Classification: Likely benign. Last evaluated: 2025-01-02. Review status: criteria provided, single submitter. Criteria: ACMG Guidelines, 2015. Collection method: clinical testing. Allele origin: germline. Observed: 1 variant allele.
Comment: BS1, BP4, BP7

Blueprint Genetics
Classification: Likely benign. Last evaluated: 2024-09-18. Review status: criteria provided, single submitter. Criteria: ACMG Guidelines, 2015. Collection method: clinical testing. Allele origin: germline.

All of Us Research Program, National Institutes of Health
Classification: Benign for Catecholaminergic polymorphic ventricular tachycardia. Last evaluated: 2024-02-05. Review status: criteria provided, single submitter. Criteria: ACMG Guidelines, 2015. Collection method: clinical testing. Allele origin: germline. Inheritance: Autosomal dominant inheritance. Observed: 93 variant alleles, 93 heterozygotes.
Comment: This study involves interpretation of variants in research participants for the purpose of population health screening. Participant phenotype was not available at the time of variant classification. Additional details can be found in publication PMID: 35346344, PMCID: PMC8962531

Women's Health and Genetics/Laboratory Corporation of America, LabCorp
Classification: Benign. Last evaluated: 2022-03-28. Review status: criteria provided, single submitter. Criteria: LabCorp Variant Classification Summary - May 2015. Collection method: clinical testing. Allele origin: germline.

Color Diagnostics, LLC DBA Color Health
Classification: Benign for Cardiomyopathy. Last evaluated: 2018-06-25. Review status: criteria provided, single submitter. Criteria: ACMG Guidelines, 2015. Collection method: clinical testing. Allele origin: germline.

Ambry Genetics
Classification: Likely benign for Cardiovascular phenotype. Last evaluated: 2017-05-15. Review status: criteria provided, single submitter. Criteria: Ambry Variant Classification Scheme 2023. Collection method: clinical testing. Allele origin: germline.

Illumina Laboratory Services, Illumina
Classification: Uncertain significance for Catecholaminergic polymorphic ventricular tachycardia 1. Last evaluated: 2017-04-27. Review status: criteria provided, single submitter. Criteria: ICSL Variant Classification Criteria 13 December 2019. Collection method: clinical testing. Allele origin: germline.

Illumina Laboratory Services, Illumina
Classification: Benign for Catecholaminergic polymorphic ventricular tachycardia 1. Last evaluated: 2017-04-27. Review status: criteria provided, single submitter. Criteria: ICSL Variant Classification Criteria 13 December 2019. Collection method: clinical testing. Allele origin: germline.
Comment: This variant was observed as part of a predisposition screen in an ostensibly healthy population. A literature search was performed for the gene, cDNA change, and amino acid change (where applicable). No publications were found based on this search. Allele frequency data from public databases was too high to be consistent with this variant causing disease. Therefore, this variant is classified as benign.

CHEO Genetics Diagnostic Laboratory, Children's Hospital of Eastern Ontario
Classification: Likely benign for Cardiomyopathy. Last evaluated: 2016-06-14. Review status: criteria provided, single submitter. Criteria: ACMG Guidelines, 2015. Collection method: clinical testing. Allele origin: germline. Study: Canadian Open Genetics Repository.

GeneDx
Classification: Benign. Last evaluated: 2015-03-03. Review status: criteria provided, single submitter. Criteria: GeneDx Variant Classification Process June 2021. Collection method: clinical testing. Allele origin: germline. Affected: yes.

Laboratory for Molecular Medicine, Mass General Brigham Personalized Medicine
Classification: Likely benign. Last evaluated: 2012-03-19. Review status: criteria provided, single submitter. Criteria: LMM Criteria. Collection method: clinical testing. Allele origin: germline. Observed: 1 variant allele.
Comment: Pro3647Pro in exon 78 of RYR2: This variant is not expected to have clinical sig nificance because it does not alter an amino acid residue and is not located wit hin the splice consensus sequence. It has been identified in 0.1% (4/6562) of Eu ropean American chromosomes from a broad population by the NHLBI Exome Sequencin g Project. Pro3647Pro in exon 78 of RYR2 (al lele frequency = 0.1%, 4/6562) **

PreventionGenetics, part of Exact Sciences
Classification: Likely benign for RYR2-related condition. Last evaluated: 2023-04-14. Review status: no assertion criteria provided. Collection method: clinical testing. Allele origin: germline. Not counted in ClinVar's aggregate classification.
Comment: This variant is classified as likely benign based on ACMG/AMP sequence variant interpretation guidelines (Richards et al. 2015 PMID: 25741868, with internal and published modifications).

Clinical Genetics DNA and cytogenetics Diagnostics Lab, Erasmus MC, Erasmus Medical Center
Classification: Likely benign. Review status: no assertion criteria provided. Collection method: clinical testing. Allele origin: germline. Affected: yes. Study: VKGL Data-share Consensus. Not counted in ClinVar's aggregate classification.

Clinical Genetics, Academic Medical Center
Classification: Benign. Review status: no assertion criteria provided. Collection method: clinical testing. Allele origin: germline. Affected: yes. Study: VKGL Data-share Consensus. Not counted in ClinVar's aggregate classification.

Diagnostic Laboratory, Department of Genetics, University Medical Center Groningen
Classification: Likely benign. Review status: no assertion criteria provided. Collection method: clinical testing. Allele origin: germline. Affected: yes. Study: VKGL Data-share Consensus. Not counted in ClinVar's aggregate classification.

Genome Diagnostics Laboratory, University Medical Center Utrecht
Classification: Likely benign. Review status: no assertion criteria provided. Collection method: clinical testing. Allele origin: germline. Affected: yes. Study: VKGL Data-share Consensus. Not counted in ClinVar's aggregate classification.

Joint Genome Diagnostic Labs from Nijmegen and Maastricht, Radboudumc and MUMC+
Classification: Benign. Review status: no assertion criteria provided. Collection method: clinical testing. Allele origin: germline. Affected: yes. Study: VKGL Data-share Consensus. Not counted in ClinVar's aggregate classification.

NM_001035.3(RYR2):c.10941T>G (p.Pro3647=)

Gene: RYR2 (ryanodine receptor 2; plus strand). Cytogenetic location: 1q43.
Variant type: single nucleotide variant.
Coding change: c.10941T>G on transcript NM_001035.3 (MANE Select); coding-DNA position 10941, T replaced by G.
Protein change: p.Pro3647=; no amino-acid change (proline 3647 retained).
Molecular consequence: synonymous variant.
Genome position (GRCh38, 1-based): chr1:237,732,051, T>G. VCF-style: chr1-237732051-T-G. GRCh37 (hg19) VCF-style: chr1-237895351-T-G.
Other names: p.Pro3647=.
Identifiers: ClinVar variation 165118 (VCV000165118.83), dbSNP rs370332882, ClinGen allele CA006813.
Genomic context (GRCh38, chr1:237,732,051, plus strand): 5'-TTTGAGTGAACATTTTTTTTTAATGTGACATTTTATAAATTTGACTTTTTTGCAGAAACC[T>G]GGGGCTGAACCTCCAGAAGAAGATGAAGGCACTAAGAGAGTTGATCCTCTACATCAGCTG-3'
Protein context (NP_001026.2, residues 3637-3657): EDKLIEDLAK[Pro3647=]GAEPPEEDEG